The following is an entry in ClinVar:

NM_000049.4(ASPA):c.867C>A (p.Tyr289Ter)

Genes: ASPA (aspartoacylase; plus strand), SPATA22 (spermatogenesis associated 22; minus strand). Cytogenetic location: 17p13.2.
Variant type: single nucleotide variant.
Coding change: c.867C>A on transcript NM_000049.4 (MANE Select); coding-DNA position 867, C replaced by A.
Protein change: p.Tyr289Ter; replaces tyrosine 289 with a stop codon.
Molecular consequence: nonsense. On other transcripts: intron variant (2).
Genome position (GRCh38, 1-based): chr17:3,499,013, C>A. VCF-style: chr17-3499013-C-A. GRCh37 (hg19) VCF-style: chr17-3402307-C-A.
Other names: c.867C>A, p.Tyr289Ter (NM_001128085.1); c.-74+14399G>T (NM_001321336.2, NM_001321337.2); short protein forms Y289*.
Identifiers: ClinVar variation 370795 (VCV000370795.7), dbSNP rs375736464, ClinGen allele CA16041830.

ClinVar aggregate classification (germline): Pathogenic. Review status: criteria provided, single submitter (1 of 4 stars). 2 submissions from 2 submitters: Pathogenic (1). 1 of the submissions does not count toward it. Last evaluated 2024-02-29.

Conditions:
Spongy degeneration of central nervous system. Also called: Canavan disease; AMINOACYLASE 2 DEFICIENCY; ACY2 DEFICIENCY; ASP DEFICIENCY; ASPA DEFICIENCY; ASPARTOACYLASE DEFICIENCY. Identifiers: Orphanet 141, MedGen C0206307, MONDO:0010079, OMIM 271900.

Submissions (2):

Labcorp Genetics (formerly Invitae), Labcorp
Classification: Pathogenic for Spongy degeneration of central nervous system. Last evaluated: 2024-02-29. Review status: criteria provided, single submitter. Criteria: Invitae Variant Classification Sherloc (09022015). Collection method: clinical testing. Allele origin: germline.
Comment: This sequence change creates a premature translational stop signal (p.Tyr289*) in the ASPA gene. While this is not anticipated to result in nonsense mediated decay, it is expected to disrupt the last 25 amino acid(s) of the ASPA protein. This variant is not present in population databases (gnomAD no frequency). This variant has not been reported in the literature in individuals affected with ASPA-related conditions. ClinVar contains an entry for this variant (Variation ID: 370795). Algorithms developed to predict the effect of sequence changes on RNA splicing suggest that this variant may disrupt the consensus splice site. This variant disrupts a region of the ASPA protein in which other variant(s) (p.Ala305Glu) have been determined to be pathogenic (PMID: 8023850, 10909858, 16217711, 22850825). This suggests that this is a clinically significant region of the protein, and that variants that disrupt it are likely to be disease-causing. For these reasons, this variant has been classified as Pathogenic.

Counsyl
Classification: Likely pathogenic for Spongy degeneration of central nervous system. Last evaluated: 2016-04-14. Review status: no assertion criteria provided. Collection method: clinical testing. Allele origin: unknown. Not counted in ClinVar's aggregate classification.

Literature cited by the submitters: PubMed 8023850 (cited by Labcorp Genetics (formerly Invitae), Labcorp); PubMed 10909858 (cited by Labcorp Genetics (formerly Invitae), Labcorp); PubMed 16217711 (cited by Labcorp Genetics (formerly Invitae), Labcorp); PubMed 22850825 (cited by Labcorp Genetics (formerly Invitae), Labcorp).